The following is an entry in ClinVar:

ClinVar aggregate classification (germline): Uncertain significance (1 of 4 stars; one submission).

Allele frequency attached by ClinVar (database versions not stated): gnomAD exomes below 0.00001; ExAC 0.00001.
gnomAD v4.1: 1 of 1,613,976 alleles (0.000062%); highest among the groups gnomAD compares: Admixed American, 0.0017%; no homozygotes.

Submission:

GeneDx
Classification: Uncertain significance. Last evaluated: 2026-08-29. Review status: criteria provided, single submitter. Criteria: GeneDx Variant Classification Process June 2021. Collection method: clinical testing. Allele origin: germline.
Comment: Not observed at significant frequency in large population cohorts (gnomAD); In silico analysis supports that this missense variant has a deleterious effect on protein structure/function; Has not been previously published as pathogenic or benign to our knowledge

NM_018896.5(CACNA1G):c.3020C>T (p.Ser1007Leu)

Gene: CACNA1G (calcium voltage-gated channel subunit alpha1 G; plus strand). Cytogenetic location: 17q21.33.
Variant type: single nucleotide variant.
Coding change: c.3020C>T on transcript NM_018896.5 (MANE Select); coding-DNA position 3020, C replaced by T.
Protein change: p.Ser1007Leu; replaces serine 1007 with leucine.
Molecular consequence: missense variant. On other transcripts: non-coding transcript variant (5).
Genome position (GRCh38, 1-based): chr17:50,596,602, C>T. VCF-style: chr17-50596602-C-T. GRCh37 (hg19) VCF-style: chr17-48673963-C-T.
Other names: c.3020C>T, p.Ser1007Leu (NM_001256331.2, NM_198380.3, NM_198384.3 and 16 more transcripts); c.2951C>T, p.Ser984Leu (NM_001256332.2, NM_198382.3, NM_198383.3 and 5 more transcripts); short protein forms S1007L, S984L.
Identifiers: ClinVar variation 1300341 (VCV001300341.5), dbSNP rs765076871, ClinGen allele CA8652598.
Genomic context (GRCh38, chr17:50,596,602, plus strand): 5'-CCGCTGCTCCCCTGCCCTAGGGAGATGCCAACAAGTCCGAATCAGAGCCCGATTTCTTCT[C>T]ACCCAGCCTGGATGGTGATGGGGACAGGAAGAAGTGCTTGGCCTGTGAGTACCTATCCTG-3'
Protein context (NP_061496.2, residues 997-1017): NKSESEPDFF[Ser1007Leu]PSLDGDGDRK